The following is an entry in ClinVar:

NM_014915.3(ANKRD26):c.2529A>C (p.Glu843Asp)

Gene: ANKRD26 (ankyrin repeat domain 26; minus strand). Cytogenetic location: 10p12.1.
Variant type: single nucleotide variant.
Coding change: c.2529A>C on transcript NM_014915.3 (MANE Select); coding-DNA position 2529, A replaced by C.
Protein change: p.Glu843Asp; replaces glutamic acid 843 with aspartic acid.
Molecular consequence: missense variant.
Genome position (GRCh38, 1-based): chr10:27,037,901, T>G on the plus strand (A>C on the coding strand, the complement: ANKRD26 is on the minus strand). VCF-style: chr10-27037901-T-G. GRCh37 (hg19) VCF-style: chr10-27326830-T-G.
Other names: c.2526A>C, p.Glu842Asp (NM_001256053.2); short protein forms E843D, E842D.
Identifiers: ClinVar variation 2903124 (VCV002903124.3), dbSNP rs2538790650, ClinGen allele CA376366554.
Genomic context (GRCh38, chr10:27,037,901, plus strand): 5'-ATATAAAATTTTTATCAAAAATTAATTTACCTGATTCAAATTACTTTTTACAGTCCTCAA[T>G]TCCATCTCCAGTGTTTGGAGACTCAGTTCAAGCTGTTGTTTCACTTCAACTTCTTTCCTA-3'
Protein context (NP_055730.2, residues 833-853): LELSLQTLEM[Glu843Asp]LRTVKSNLNQ

ClinVar aggregate classification (germline): Uncertain significance (1 of 4 stars; one submission).

Submission:

Labcorp Genetics (formerly Invitae), Labcorp
Classification: Uncertain significance. Last evaluated: 2024-10-25. Review status: criteria provided, single submitter. Criteria: Invitae Variant Classification Sherloc (09022015). Collection method: clinical testing. Allele origin: germline.
Comment: This sequence change replaces glutamic acid, which is acidic and polar, with aspartic acid, which is acidic and polar, at codon 843 of the ANKRD26 protein (p.Glu843Asp). This variant is not present in population databases (gnomAD no frequency). This variant has not been reported in the literature in individuals affected with ANKRD26-related conditions. An algorithm developed to predict the effect of missense changes on protein structure and function (PolyPhen-2) suggests that this variant is likely to be disruptive. In summary, the available evidence is currently insufficient to determine the role of this variant in disease. Therefore, it has been classified as a Variant of Uncertain Significance.